The following is an entry in ClinVar:

NM_004336.5(BUB1):c.1127C>T (p.Pro376Leu)

Gene: BUB1 (BUB1 mitotic checkpoint serine/threonine kinase; minus strand). Cytogenetic location: 2q13.
Variant type: single nucleotide variant.
Coding change: c.1127C>T on transcript NM_004336.5 (MANE Select); coding-DNA position 1127, C replaced by T.
Protein change: p.Pro376Leu; replaces proline 376 with leucine.
Molecular consequence: missense variant.
Genome position (GRCh38, 1-based): chr2:110,661,672, G>A on the plus strand (C>T on the coding strand, the complement: BUB1 is on the minus strand). VCF-style: chr2-110661672-G-A. GRCh37 (hg19) VCF-style: chr2-111419249-G-A.
Other names: c.1067C>T, p.Pro356Leu (NM_001278616.2); c.1127C>T, p.Pro376Leu (NM_001278617.2); short protein forms P356L, P376L.
Identifiers: ClinVar variation 2446962 (VCV002446962.2), dbSNP rs755870313, ClinGen allele CA1828161.

ClinVar aggregate classification (germline): Uncertain significance (1 of 4 stars; one submission).

Allele frequency attached by ClinVar (database versions not stated): TOPMed below 0.00001; gnomAD exomes 0.00002; ExAC 0.00003.
gnomAD v4.1: 14 of 1,614,160 alleles (0.00087%); highest among the groups gnomAD compares: Middle Eastern, 0.016%; no homozygotes.

Submission:

Ambry Genetics
Classification: Uncertain significance. Last evaluated: 2023-01-28. Review status: criteria provided, single submitter. Criteria: Ambry Variant Classification Scheme 2023. Collection method: clinical testing. Allele origin: germline.
Comment: The p.P376L variant (also known as c.1127C>T), located in coding exon 10 of the BUB1 gene, results from a C to T substitution at nucleotide position 1127. The proline at codon 376 is replaced by leucine, an amino acid with similar properties. This amino acid position is conserved. In addition, this alteration is predicted to be tolerated by in silico analysis. Since supporting evidence is limited at this time, the clinical significance of this alteration remains unclear.